The following is an entry in ClinVar:

ClinVar aggregate classification (germline): Uncertain significance (1 of 4 stars; one submission).

Allele frequency attached by ClinVar (database versions not stated): gnomAD exomes 0.00001.
gnomAD v4.1: 1 of 1,594,440 alleles (0.000063%); highest among the groups gnomAD compares: Non-Finnish European, 0.000086%; no homozygotes.

Submission:

Labcorp Genetics (formerly Invitae), Labcorp
Classification: Uncertain significance. Last evaluated: 2023-05-08. Review status: criteria provided, single submitter. Criteria: Invitae Variant Classification Sherloc (09022015). Collection method: clinical testing. Allele origin: germline.
Comment: In summary, the available evidence is currently insufficient to determine the role of this variant in disease. Therefore, it has been classified as a Variant of Uncertain Significance. Advanced modeling of protein sequence and biophysical properties (such as structural, functional, and spatial information, amino acid conservation, physicochemical variation, residue mobility, and thermodynamic stability) performed at Invitae indicates that this missense variant is not expected to disrupt PROM1 protein function. This variant has not been reported in the literature in individuals affected with PROM1-related conditions. The frequency data for this variant in the population databases is considered unreliable, as metrics indicate poor data quality at this position in the gnomAD database. This sequence change replaces alanine, which is neutral and non-polar, with serine, which is neutral and polar, at codon 766 of the PROM1 protein (p.Ala766Ser).

NM_006017.3(PROM1):c.2296G>T (p.Ala766Ser)

Gene: PROM1 (prominin 1; minus strand). Cytogenetic location: 4p15.32.
Variant type: single nucleotide variant.
Coding change: c.2296G>T on transcript NM_006017.3 (MANE Select); coding-DNA position 2296, G replaced by T.
Protein change: p.Ala766Ser; replaces alanine 766 with serine.
Molecular consequence: missense variant.
Genome position (GRCh38, 1-based): chr4:15,984,340, C>A on the plus strand (G>T on the coding strand, the complement: PROM1 is on the minus strand). VCF-style: chr4-15984340-C-A. GRCh37 (hg19) VCF-style: chr4-15985963-C-A.
Other names: c.2269G>T, p.Ala757Ser (NM_001145847.2, NM_001145848.2, NM_001145851.2 and 4 more transcripts); c.2296G>T, p.Ala766Ser (NM_001145849.2, NM_001145850.2); short protein forms A757S, A766S.
Identifiers: ClinVar variation 1461596 (VCV001461596.8), dbSNP rs1468615991, ClinGen allele CA356427136.